The following is an entry in ClinVar:

ClinVar aggregate classification (germline): Uncertain significance (1 of 4 stars; one submission).

Conditions:
Osteogenesis imperfecta type 7 (OI7). Also called: OI type 7; OI type VII; OSTEOGENESIS IMPERFECTA, TYPE IIB; Osteogenesis imperfecta type 2B; OI type 2B; Osteogenesis imperfecta, perinatal lethal autosomal recessive. Identifiers: MedGen C1853162, MONDO:0012536, OMIM 610682.

gnomAD v4.1: 1 of 1,614,126 alleles (0.000062%); highest among the groups gnomAD compares: Non-Finnish European, 0.000085%; no homozygotes.

Submission:

Labcorp Genetics (formerly Invitae), Labcorp
Classification: Uncertain significance for Osteogenesis imperfecta type 7. Last evaluated: 2023-03-14. Review status: criteria provided, single submitter. Criteria: Invitae Variant Classification Sherloc (09022015). Collection method: clinical testing. Allele origin: germline.
Comment: This sequence change falls in intron 3 of the CRTAP gene. It does not directly change the encoded amino acid sequence of the CRTAP protein. This variant is not present in population databases (gnomAD no frequency). This variant has not been reported in the literature in individuals affected with CRTAP-related conditions. Algorithms developed to predict the effect of sequence changes on RNA splicing suggest that this variant may disrupt the consensus splice site. In summary, the available evidence is currently insufficient to determine the role of this variant in disease. Therefore, it has been classified as a Variant of Uncertain Significance.

NM_006371.5(CRTAP):c.793+12G>T

Gene: CRTAP (cartilage associated protein; plus strand). Cytogenetic location: 3p22.3.
Variant type: single nucleotide variant.
Coding change: c.793+12G>T on transcript NM_006371.5 (MANE Select); 12 bases into the intron after coding-DNA position 793, G replaced by T.
Molecular consequence: intron variant.
Genome position (GRCh38, 1-based): chr3:33,124,591, G>T. VCF-style: chr3-33124591-G-T. GRCh37 (hg19) VCF-style: chr3-33166083-G-T.
Other names: c.793+12G>T (NM_001393363.1, NM_001393364.1); c.643+12G>T (NM_001393365.1).
Identifiers: ClinVar variation 3008021 (VCV003008021.3), dbSNP rs773808673, ClinGen allele CA1356034384.